The following is an entry in ClinVar:

NM_003742.4(ABCB11):c.922C>T (p.Leu308Phe)

Gene: ABCB11 (ATP binding cassette subfamily B member 11; minus strand). Cytogenetic location: 2q31.1.
Variant type: single nucleotide variant.
Coding change: c.922C>T on transcript NM_003742.4 (MANE Select); coding-DNA position 922, C replaced by T.
Protein change: p.Leu308Phe; replaces leucine 308 with phenylalanine.
Molecular consequence: missense variant.
Genome position (GRCh38, 1-based): chr2:168,986,271, G>A on the plus strand (C>T on the coding strand, the complement: ABCB11 is on the minus strand). VCF-style: chr2-168986271-G-A. GRCh37 (hg19) VCF-style: chr2-169842781-G-A.
Other names: short protein forms L308F.
Identifiers: ClinVar variation 808881 (VCV000808881.43), dbSNP rs780710769, ClinGen allele CA1951752.

ClinVar aggregate classification (germline): Uncertain significance. Review status: criteria provided, multiple submitters, no conflicts (2 of 4 stars). 2 submissions from 2 submitters: Uncertain significance (2). Last evaluated 2026-04-14.

Conditions:
Familial intrahepatic cholestasis. Identifiers: Orphanet 284385, MedGen CN296401, MONDO:0017290.

Allele frequency attached by ClinVar (database versions not stated): ExAC 0.00001.
gnomAD v4.1: 1 of 1,612,434 alleles (0.000062%); highest among the groups gnomAD compares: Non-Finnish European, 0.000085%; no homozygotes.

Submissions (2):

Genomenon, Inc
Classification: Uncertain significance for Familial intrahepatic cholestasis. Last evaluated: 2026-04-14. Review status: criteria provided, single submitter. Criteria: Genomenon Sequence Variant Interpretation Standards - Updated. Collection method: curation. Allele origin: germline. Affected: yes.
Comment: ABCB11 p.Leu308Phe (c.922C>T) is a missense variant that changes the amino acid at residue 308 from Leucine to Phenylalanine. This variant has been observed in at least one proband with an ABCB11-related disorder (PMID:39768432). It is absent or not present at a significant frequency in gnomAD. In silico models predict that this variant is possibly or probably damaging. In conclusion, we classify ABCB11 p.Leu308Phe (c.922C>T) as a variant of uncertain significance.

CeGaT Center for Human Genetics Tuebingen
Classification: Uncertain significance. Last evaluated: 2019-11-01. Review status: criteria provided, single submitter. Criteria: CeGaT Center For Human Genetics Tuebingen Variant Classification Criteria Version 2. Collection method: clinical testing. Allele origin: germline. Affected: yes. Observed: 3 variant alleles.

Literature cited by the submitters: PubMed 39768432 (cited by Genomenon, Inc).